The following is an entry in ClinVar:

ClinVar aggregate classification (germline): Uncertain significance. Review status: criteria provided, multiple submitters, no conflicts (2 of 4 stars). 3 submissions from 3 submitters: Uncertain significance (3). Last evaluated 2022-10-26.

Conditions:
Inborn genetic diseases. Identifiers: MedGen C0950123, MeSH D030342.
Pyruvate carboxylase deficiency. Also called: ATAXIA WITH LACTIC ACIDOSIS II; LEIGH NECROTIZING ENCEPHALOPATHY DUE TO PYRUVATE CARBOXYLASE DEFICIENCY; LEIGH SYNDROME DUE TO PYRUVATE CARBOXYLASE DEFICIENCY; PC DEFICIENCY; Pyruvate Carboxylase Deficiency Disease. Identifiers: Orphanet 3008, MedGen C0034341, MONDO:0009949, OMIM 266150.

Allele frequency attached by ClinVar (database versions not stated): ExAC 0.00002; gnomAD 0.00003; gnomAD exomes 0.00003; TOPMed 0.00003.

Submissions (3):

Ambry Genetics
Classification: Uncertain significance for Inborn genetic diseases. Last evaluated: 2022-10-26. Review status: criteria provided, single submitter. Criteria: Ambry Variant Classification Scheme 2023. Collection method: clinical testing. Allele origin: germline.

Labcorp Genetics (formerly Invitae), Labcorp
Classification: Uncertain significance for Pyruvate carboxylase deficiency. Last evaluated: 2022-05-09. Review status: criteria provided, single submitter. Criteria: Invitae Variant Classification Sherloc (09022015). Collection method: clinical testing. Allele origin: germline.
Comment: This sequence change replaces proline, which is neutral and non-polar, with leucine, which is neutral and non-polar, at codon 515 of the PC protein (p.Pro515Leu). This variant is present in population databases (rs766679405, gnomAD 0.004%). This variant has not been reported in the literature in individuals affected with PC-related conditions. Algorithms developed to predict the effect of missense changes on protein structure and function are either unavailable or do not agree on the potential impact of this missense change (SIFT: "Deleterious"; PolyPhen-2: "Benign"; Align-GVGD: "Class C0"). In summary, the available evidence is currently insufficient to determine the role of this variant in disease. Therefore, it has been classified as a Variant of Uncertain Significance.

Department of Pathology and Laboratory Medicine, Sinai Health System
Classification: Uncertain significance for Pyruvate carboxylase deficiency. Last evaluated: 2022-01-25. Review status: criteria provided, single submitter. Criteria: ACMG Guidelines, 2015. Collection method: research. Allele origin: germline.

NM_001040716.2(PC):c.1544C>T (p.Pro515Leu)

Gene: PC (pyruvate carboxylase; minus strand). Cytogenetic location: 11q13.2.
Variant type: single nucleotide variant.
Coding change: c.1544C>T on transcript NM_001040716.2 (MANE Select); coding-DNA position 1544, C replaced by T.
Protein change: p.Pro515Leu; replaces proline 515 with leucine.
Molecular consequence: missense variant.
Genome position (GRCh38, 1-based): chr11:66,852,806, G>A on the plus strand (C>T on the coding strand, the complement: PC is on the minus strand). VCF-style: chr11-66852806-G-A. GRCh37 (hg19) VCF-style: chr11-66620277-G-A.
Other names: c.1544C>T (NM_000920.3); c.1544C>T, p.Pro515Leu (NM_000920.4, NM_022172.3); short protein forms P515L.
Identifiers: ClinVar variation 2165735 (VCV002165735.3), dbSNP rs766679405, ClinGen allele CA6131341.